The following is an entry in ClinVar:

NM_005068.3(SIM1):c.2277T>A (p.Ser759=)

Gene: SIM1 (SIM bHLH transcription factor 1; minus strand). Cytogenetic location: 6q16.3.
Variant type: single nucleotide variant.
Coding change: c.2277T>A on transcript NM_005068.3 (MANE Select); coding-DNA position 2277, T replaced by A.
Protein change: p.Ser759=; no amino-acid change (serine 759 retained).
Molecular consequence: synonymous variant.
Genome position (GRCh38, 1-based): chr6:100,390,385, A>T on the plus strand (T>A on the coding strand, the complement: SIM1 is on the minus strand). VCF-style: chr6-100390385-A-T. GRCh37 (hg19) VCF-style: chr6-100838261-A-T.
Other names: c.2277T>A, p.Ser759= (NM_001374769.1).
Identifiers: ClinVar variation 3357377 (VCV003357377.1).

ClinVar aggregate classification (germline): Likely benign (0 of 4 stars; one submission).

Conditions:
SIM1-related disorder. Also called: SIM1-related condition; SIM1-related disorders.

Submission:

PreventionGenetics, part of Exact Sciences
Classification: Likely benign for SIM1-related condition. Last evaluated: 2021-08-11. Review status: no assertion criteria provided. Collection method: clinical testing. Allele origin: germline.
Comment: This variant is classified as likely benign based on ACMG/AMP sequence variant interpretation guidelines (Richards et al. 2015 PMID: 25741868, with internal and published modifications).